The following is an entry in ClinVar:

ClinVar aggregate classification (germline): Benign (1 of 4 stars; one submission).

Allele frequency attached by ClinVar (database versions not stated): gnomAD 0.00011; 1000 Genomes Project 0.00060; 1000 Genomes Project 30x 0.00078; TOPMed 0.00003.
gnomAD v4.1: 17 of 151,914 alleles (0.011%); highest among the groups gnomAD compares: South Asian, 0.31%; no homozygotes.

Submission:

CeGaT Center for Human Genetics Tuebingen
Classification: Benign. Last evaluated: 2026-06-01. Review status: criteria provided, single submitter. Criteria: CeGaT Center For Human Genetics Tuebingen Variant Classification Criteria Version 2. Collection method: clinical testing. Allele origin: germline. Affected: yes. Observed: 2 variant alleles.
Comment: SOX10: BS1, BS2

NM_006941.4(SOX10):c.697+389C>T

Genes: POLR2F (RNA polymerase II, I and III subunit F; plus strand), SOX10 (SRY-box transcription factor 10; minus strand). Cytogenetic location: 22q13.1.
Variant type: single nucleotide variant.
Coding change: c.697+389C>T on transcript NM_006941.4 (MANE Select); 389 bases into the intron after coding-DNA position 697, C replaced by T.
Molecular consequence: intron variant.
Genome position (GRCh38, 1-based): chr22:37,977,478, G>A on the plus strand (C>T on the coding strand, the complement: SOX10 is on the minus strand). VCF-style: chr22-37977478-G-A. GRCh37 (hg19) VCF-style: chr22-38373485-G-A.
Other names: c.*38+5168G>A (NM_001363825.1); c.294-8676G>A (NM_001301130.2); c.293+10308G>A (NM_001301131.2).
Identifiers: ClinVar variation 2653129 (VCV002653129.22), dbSNP rs562880010, ClinGen allele CA324163239.